The following is an entry in ClinVar:

ClinVar aggregate classification (germline): Uncertain significance (1 of 4 stars; one submission).

Submission:

Labcorp Genetics (formerly Invitae), Labcorp
Classification: Uncertain significance. Last evaluated: 2022-07-18. Review status: criteria provided, single submitter. Criteria: Invitae Variant Classification Sherloc (09022015). Collection method: clinical testing. Allele origin: germline.
Comment: In summary, the available evidence is currently insufficient to determine the role of this variant in disease. Therefore, it has been classified as a Variant of Uncertain Significance. Algorithms developed to predict the effect of missense changes on protein structure and function are either unavailable or do not agree on the potential impact of this missense change (SIFT: "Not Available"; PolyPhen-2: "Benign"; Align-GVGD: "Not Available"). ClinVar contains an entry for this variant (Variation ID: 1014397). This variant has not been reported in the literature in individuals affected with ADAMTS18-related conditions. This variant is not present in population databases (gnomAD no frequency). This sequence change replaces asparagine, which is neutral and polar, with serine, which is neutral and polar, at codon 905 of the ADAMTS18 protein (p.Asn905Ser).

NM_199355.4(ADAMTS18):c.2714A>G (p.Asn905Ser)

Gene: ADAMTS18 (ADAM metallopeptidase with thrombospondin type 1 motif 18; minus strand). Cytogenetic location: 16q23.1.
Variant type: single nucleotide variant.
Coding change: c.2714A>G on transcript NM_199355.4 (MANE Select); coding-DNA position 2714, A replaced by G.
Protein change: p.Asn905Ser; replaces asparagine 905 with serine.
Molecular consequence: missense variant.
Genome position (GRCh38, 1-based): chr16:77,297,376, T>C on the plus strand (A>G on the coding strand, the complement: ADAMTS18 is on the minus strand). VCF-style: chr16-77297376-T-C. GRCh37 (hg19) VCF-style: chr16-77331273-T-C.
Other names: c.2198A>G, p.Asn733Ser (NM_001326358.2); short protein forms N733S, N905S.
Identifiers: ClinVar variation 1014397 (VCV001014397.8), dbSNP rs2055494364, ClinGen allele CA396834246.
Genomic context (GRCh38, chr16:77,297,376, plus strand): 5'-ATTTTGGGCTCAGTTACTGGCTTGGTTTTTGCACTGCAGAATGAGGAATTGACTTGAGTA[T>C]TTTGATCTCGCAAGCAAATGGCCTTTACATTTATGTAACCTGGTAAGACATCAGAAGTGA-3'
Protein context (NP_955387.1, residues 895-915): NVKAICLRDQ[Asn905Ser]TQVNSSFCSA